The following is an entry in ClinVar:

ClinVar aggregate classification (germline): Likely pathogenic (1 of 4 stars; one submission).

Conditions:
Epilepsy, familial focal, with variable foci 3 (FFEVF3). Identifiers: MedGen C4310708, MONDO:0014925, OMIM 617118.

Submission:

Labcorp Genetics (formerly Invitae), Labcorp
Classification: Likely pathogenic for Epilepsy, familial focal, with variable foci 3. Last evaluated: 2022-03-17. Review status: criteria provided, single submitter. Criteria: Invitae Variant Classification Sherloc (09022015). Collection method: clinical testing. Allele origin: germline.
Comment: Experimental studies and prediction algorithms are not available or were not evaluated, and the functional significance of this variant is currently unknown. ClinVar contains an entry for this variant (Variation ID: 1002237). This variant is also known as c.1544+1del. This variant has not been reported in the literature in individuals affected with NPRL3-related conditions. This variant is not present in population databases (gnomAD no frequency). This sequence change creates a premature translational stop signal (Splice donor) in the NPRL3 gene. While this is not anticipated to result in nonsense mediated decay, it is expected to disrupt the last 56 amino acid(s) of the NPRL3 protein. Algorithms developed to predict the effect of sequence changes on RNA splicing suggest that this variant may disrupt the consensus splice site. In summary, the currently available evidence indicates that the variant is pathogenic, but additional data are needed to prove that conclusively. Therefore, this variant has been classified as Likely Pathogenic. This variant disrupts the C-terminus of the NPRL3 protein. Other variant(s) that disrupt this region (p.Tyr519*) have been observed in individuals with NPRL3-related conditions (PMID: 30093711). This suggests that this may be a clinically significant region of the protein.

Literature cited by the submitters: PubMed 30093711.

NM_001077350.3(NPRL3):c.1544+1del

Genes: HBA-LCR (alpha-globin locus control region; plus strand), NPRL3 (NPR3 like, GATOR1 complex subunit; minus strand). Cytogenetic location: 16p13.3.
Variant type: Deletion.
Coding change: c.1544+1del on transcript NM_001077350.3 (MANE Select); the canonical splice donor site of the intron after coding-DNA position 1544, one base deleted (G; older notation c.1544+1delG).
Molecular consequence: splice donor variant.
Genome position (GRCh38, 1-based): chr16:88,697, C deleted on the plus strand (G on the coding strand, the reverse complement: NPRL3 is on the minus strand); the first of 2 consecutive C bases (chr16:88,697-88,698); deleting either gives the same sequence. VCF-style (leftmost placement, unchanged base first): chr16-88696-AC-A. GRCh37 (hg19) VCF-style: chr16-138695-AC-A.
Other names: c.1310+1del (NM_001243247.2); c.1469+1del (NM_001243248.2, NM_001243249.2); c.1007+1del (NM_001039476.3).
Identifiers: ClinVar variation 1002237 (VCV001002237.9), dbSNP rs1898611246, ClinGen allele CA2200850962.